The following is an entry in ClinVar:

ClinVar aggregate classification (germline): Uncertain significance (1 of 4 stars; one submission).

Conditions:
Baller-Gerold syndrome (BGS). Also called: CRANIOSYNOSTOSIS WITH RADIAL DEFECTS. Identifiers: Orphanet 1225, MedGen C0265308, MONDO:0009039, OMIM 218600.

Allele frequency attached by ClinVar (database versions not stated): gnomAD exomes below 0.00001.
gnomAD v4.1: 1 of 1,612,478 alleles (0.000062%); highest among the groups gnomAD compares: East Asian, 0.0022%; no homozygotes.

Submission:

Labcorp Genetics (formerly Invitae), Labcorp
Classification: Uncertain significance for Baller-Gerold syndrome. Last evaluated: 2023-07-12. Review status: criteria provided, single submitter. Criteria: Invitae Variant Classification Sherloc (09022015). Collection method: clinical testing. Allele origin: germline.
Comment: In summary, the available evidence is currently insufficient to determine the role of this variant in disease. Therefore, it has been classified as a Variant of Uncertain Significance. Advanced modeling of protein sequence and biophysical properties (such as structural, functional, and spatial information, amino acid conservation, physicochemical variation, residue mobility, and thermodynamic stability) performed at Invitae indicates that this missense variant is not expected to disrupt RECQL4 protein function. ClinVar contains an entry for this variant (Variation ID: 942570). This variant has not been reported in the literature in individuals affected with RECQL4-related conditions. This variant is not present in population databases (gnomAD no frequency). This sequence change replaces threonine, which is neutral and polar, with isoleucine, which is neutral and non-polar, at codon 943 of the RECQL4 protein (p.Thr943Ile).

NM_004260.4(RECQL4):c.2828C>T (p.Thr943Ile)

Gene: RECQL4 (RecQ like helicase 4; minus strand). Cytogenetic location: 8q24.3.
Variant type: single nucleotide variant.
Coding change: c.2828C>T on transcript NM_004260.4 (MANE Select); coding-DNA position 2828, C replaced by T.
Protein change: p.Thr943Ile; replaces threonine 943 with isoleucine.
Molecular consequence: missense variant.
Genome position (GRCh38, 1-based): chr8:144,512,699, G>A on the plus strand (C>T on the coding strand, the complement: RECQL4 is on the minus strand). VCF-style: chr8-144512699-G-A. GRCh37 (hg19) VCF-style: chr8-145738082-G-A.
Other names: short protein forms T943I.
Identifiers: ClinVar variation 942570 (VCV000942570.6), dbSNP rs1827478545, ClinGen allele CA372674179.